The following is an entry in ClinVar:

NM_006289.4(TLN1):c.3084C>T (p.Gly1028=)

Gene: TLN1 (talin 1; minus strand). Cytogenetic location: 9p13.3.
Variant type: single nucleotide variant.
Coding change: c.3084C>T on transcript NM_006289.4 (MANE Select); coding-DNA position 3084, C replaced by T.
Protein change: p.Gly1028=; no amino-acid change (glycine 1028 retained).
Molecular consequence: synonymous variant.
Genome position (GRCh38, 1-based): chr9:35,714,275, G>A on the plus strand (C>T on the coding strand, the complement: TLN1 is on the minus strand). VCF-style: chr9-35714275-G-A. GRCh37 (hg19) VCF-style: chr9-35714272-G-A.
Identifiers: ClinVar variation 2659182 (VCV002659182.24), dbSNP rs61736050, ClinGen allele CA5048726.
Genomic context (GRCh38, chr9:35,714,275, plus strand): 5'-CAAAGCCAGAACCAGCTTCCATACCTTCTGGGCAGCCGTCCGGAGTTCAGCCAGCGCGGT[G>A]CCCAGGTTCTTGGCACACTGACTCAGCTGCATGGCTGAAGCCTGGTCCTGAATCGTTGGC-3'
Protein context (NP_006280.3, residues 1018-1038): MQLSQCAKNL[Gly1028=]TALAELRTAA

ClinVar aggregate classification (germline): Likely benign (1 of 4 stars; one submission).

Allele frequency attached by ClinVar (database versions not stated): 1000 Genomes Project 30x 0.00094; 1000 Genomes Project 0.00120; ESP Exome Variant Server 0.00131; ExAC 0.00153; TOPMed 0.00158; gnomAD 0.00163; gnomAD exomes 0.00244.
gnomAD v4.1: 3,790 of 1,613,602 alleles (0.23%); highest among the groups gnomAD compares: Non-Finnish European, 0.3%; 10 homozygotes.

Submission:

CeGaT Center for Human Genetics Tuebingen
Classification: Likely benign. Last evaluated: 2023-04-01. Review status: criteria provided, single submitter. Criteria: CeGaT Center For Human Genetics Tuebingen Variant Classification Criteria Version 2. Collection method: clinical testing. Allele origin: germline. Affected: yes. Observed: 1 variant allele.
Comment: TLN1: BP4, BP7